The following is an entry in ClinVar:

ClinVar aggregate classification (germline): Uncertain significance (1 of 4 stars; one submission).

Submission:

GeneDx
Classification: Uncertain significance. Last evaluated: 2024-10-04. Review status: criteria provided, single submitter. Criteria: GeneDx Variant Classification Process June 2021. Collection method: clinical testing. Allele origin: germline. Affected: yes.
Comment: Not observed at significant frequency in large population cohorts (gnomAD); In silico analysis supports a deleterious effect on splicing; Has not been previously published as pathogenic or benign to our knowledge

NM_001029896.2(WDR45):c.974-3C>G

Gene: WDR45 (WD repeat domain 45; minus strand). Cytogenetic location: Xp11.23.
Variant type: single nucleotide variant.
Coding change: c.974-3C>G on transcript NM_001029896.2 (MANE Select); 3 bases into the intron before coding-DNA position 974, C replaced by G.
Molecular consequence: intron variant.
Genome position (GRCh38, 1-based): chrX:49,074,915, G>C on the plus strand (C>G on the coding strand, the complement: WDR45 is on the minus strand). VCF-style: chrX-49074915-G-C. GRCh37 (hg19) VCF-style: chrX-48932574-G-C.
Other names: c.977-3C>G (NM_007075.4).
Identifiers: ClinVar variation 3776615 (VCV003776615.1).